The following is an entry in ClinVar:

ClinVar aggregate classification (germline): Conflicting classifications of pathogenicity. Review status: criteria provided, conflicting classifications (1 of 4 stars). 2 submissions from 2 submitters: Uncertain significance (1); Likely benign (1). Last evaluated 2025-06-02.

Conditions:
FTCD-related disorder. Also called: FTCD-related condition.
Glutamate formiminotransferase deficiency. Also called: Formiminoglutamic aciduria; Arakawa syndrome 1. Identifiers: Orphanet 51208, MedGen C0268609, MONDO:0009240, OMIM 229100.

Allele frequency attached by ClinVar (database versions not stated): gnomAD exomes 0.00036 and 0.00093; ExAC 0.00038; gnomAD 0.00044 and 0.00045; TOPMed 0.00047; ESP Exome Variant Server 0.00069.
gnomAD v4.1: 1,377 of 1,612,962 alleles (0.085%); highest among the groups gnomAD compares: Non-Finnish European, 0.11%; 2 homozygotes.

Submissions (2):

PreventionGenetics, part of Exact Sciences
Classification: Likely benign for FTCD-related condition. Last evaluated: 2025-06-02. Review status: criteria provided, single submitter. Criteria: ACMG Guidelines, 2015. Collection method: clinical testing. Allele origin: germline.
Comment: This variant is classified as likely benign based on ACMG/AMP sequence variant interpretation guidelines (Richards et al. 2015 PMID: 25741868, with internal and published modifications).

Pittsburgh Clinical Genomics Laboratory, University of Pittsburgh Medical Center
Classification: Uncertain significance for Glutamate formiminotransferase deficiency. Last evaluated: 2022-05-02. Review status: criteria provided, single submitter. Criteria: ACMG Guidelines, 2015. Collection method: clinical testing. Allele origin: germline. Inheritance: Autosomal recessive inheritance. Affected: yes.
Comment: This sequence variant is a single nucleotide substitution (C>T) at the first nucleotide of the 3' UTR of the FTCD gene. This variant has not been clinically annotated previously (ClinVar), and has not been observed in patients with FTCD-related disease in the literature, to our knowledge. This variant is present in control population datasets (gnomAD database 103 of 278956 alleles or 0.04%). Bioinformatic tools do not predict any effect of this variant on splicing, and this nucleotide is not well conserved across the species examined. Functiol studies testing the effect of this variant on protein expression have not been performed, to our knowledge. At this time, there is insufficient evidence to determine if this variant is pathogenic or benign. Therefore, we consider this to be a variant of uncertain significance. ACMG Criteria: BP7

NM_206965.2(FTCD):c.*1C>T

Gene: FTCD (formimidoyltransferase cyclodeaminase; minus strand). Cytogenetic location: 21q22.3.
Variant type: single nucleotide variant.
Coding change: c.*1C>T on transcript NM_206965.2 (MANE Select); 1 bases downstream of the stop codon, C replaced by T.
Molecular consequence: 3 prime UTR variant. On other transcripts: missense variant (1).
Genome position (GRCh38, 1-based): chr21:46,136,986, G>A on the plus strand (C>T on the coding strand, the complement: FTCD is on the minus strand). VCF-style: chr21-46136986-G-A. GRCh37 (hg19) VCF-style: chr21-47556900-G-A.
Other names: c.1607C>T, p.Thr536Met (NM_001320412.2); c.*1C>T (NM_006657.3); c.1607C>T (NM_001320412.1); short protein forms T536M.
Identifiers: ClinVar variation 340411 (VCV000340411.7), dbSNP rs144773622, ClinGen allele CA10073303.